The following is an entry in ClinVar:

ClinVar aggregate classification (germline): Uncertain significance (1 of 4 stars; one submission).

Conditions:
Malignant hyperthermia, susceptibility to, 5 (MHS5). Also called: CACNA1S-Related Malignant Hyperthermia Susceptibility. Identifiers: Orphanet 423, MedGen C1866077, MONDO:0011163, OMIM 601887.

Submission:

All of Us Research Program, National Institutes of Health
Classification: Uncertain significance for Malignant hyperthermia, susceptibility to, 5. Last evaluated: 2024-01-11. Review status: criteria provided, single submitter. Criteria: ACMG Guidelines, 2015. Collection method: clinical testing. Allele origin: germline. Inheritance: Autosomal dominant inheritance. Observed: 1 variant allele, 1 heterozygote.
Comment: This study involves interpretation of variants in research participants for the purpose of population health screening. Participant phenotype was not available at the time of variant classification. Additional details can be found in publication PMID: 35346344, PMCID: PMC8962531

NM_000069.3(CACNA1S):c.1129G>A (p.Asp377Asn)

Gene: CACNA1S (calcium voltage-gated channel subunit alpha1 S; minus strand). Cytogenetic location: 1q32.1.
Variant type: single nucleotide variant.
Coding change: c.1129G>A on transcript NM_000069.3 (MANE Select); coding-DNA position 1129, G replaced by A.
Protein change: p.Asp377Asn; replaces aspartic acid 377 with asparagine.
Molecular consequence: missense variant.
Genome position (GRCh38, 1-based): chr1:201,085,457, C>T on the plus strand (G>A on the coding strand, the complement: CACNA1S is on the minus strand). VCF-style: chr1-201085457-C-T. GRCh37 (hg19) VCF-style: chr1-201054585-C-T.
Other names: short protein forms D377N.
Identifiers: ClinVar variation 3075367 (VCV003075367.1), dbSNP rs2464598626, ClinGen allele CA344128862.
Genomic context (GRCh38, chr1:201,085,457, plus strand): 5'-GAGTGGGGTGAGTGCTGACCACAGCCTTTGGGCCCAAACCTTCTCTGAAGTCCTCAACAT[C>T]CATGACCTCGCCCTGCGTGATCCAGCTCATGTAGCCCCGAAGGTCCTCATCTAGTTGCTG-3'
Protein context (NP_000060.2, residues 367-387): MSWITQGEVM[Asp377Asn]VEDFREGKLS